The following is an entry in ClinVar:

ClinVar aggregate classification (germline): Uncertain significance (1 of 4 stars; one submission).

Allele frequency attached by ClinVar (database versions not stated): gnomAD exomes below 0.00001.
gnomAD v4.1: 2 of 1,614,074 alleles (0.00012%); highest among the groups gnomAD compares: Non-Finnish European, 0.00017%; no homozygotes.

Submission:

Labcorp Genetics (formerly Invitae), Labcorp
Classification: Uncertain significance. Last evaluated: 2022-03-26. Review status: criteria provided, single submitter. Criteria: Invitae Variant Classification Sherloc (09022015). Collection method: clinical testing. Allele origin: germline.
Comment: This variant has not been reported in the literature in individuals affected with PRPF8-related conditions. In summary, the available evidence is currently insufficient to determine the role of this variant in disease. Therefore, it has been classified as a Variant of Uncertain Significance. Algorithms developed to predict the effect of missense changes on protein structure and function (SIFT, PolyPhen-2, Align-GVGD) all suggest that this variant is likely to be tolerated. This variant is not present in population databases (gnomAD no frequency). This sequence change replaces isoleucine, which is neutral and non-polar, with valine, which is neutral and non-polar, at codon 735 of the PRPF8 protein (p.Ile735Val).

NM_006445.4(PRPF8):c.2203A>G (p.Ile735Val)

Gene: PRPF8 (pre-mRNA processing factor 8; minus strand). Cytogenetic location: 17p13.3.
Variant type: single nucleotide variant.
Coding change: c.2203A>G on transcript NM_006445.4 (MANE Select); coding-DNA position 2203, A replaced by G.
Protein change: p.Ile735Val; replaces isoleucine 735 with valine.
Molecular consequence: missense variant.
Genome position (GRCh38, 1-based): chr17:1,676,690, T>C on the plus strand (A>G on the coding strand, the complement: PRPF8 is on the minus strand). VCF-style: chr17-1676690-T-C. GRCh37 (hg19) VCF-style: chr17-1579984-T-C.
Other names: short protein forms I735V.
Identifiers: ClinVar variation 2117335 (VCV002117335.4), dbSNP rs2543769102, ClinGen allele CA397553859.